The following is an entry in ClinVar:

ClinVar aggregate classification (germline): Likely benign. Review status: criteria provided, multiple submitters, no conflicts (2 of 4 stars). 3 submissions from 3 submitters: Likely benign (3). Last evaluated 2025-08-03.

Conditions:
Developmental and epileptic encephalopathy, 32 (DEE32). Also called: Epileptic encephalopathy, early infantile, 32. Identifiers: Orphanet 442835, MedGen C4225350, MONDO:0014607, OMIM 616366.
Inborn genetic diseases. Identifiers: MedGen C0950123, MeSH D030342.

Allele frequency attached by ClinVar (database versions not stated): gnomAD exomes 0.00002 and 0.00003; ExAC 0.00003; gnomAD 0.00007; TOPMed 0.00008.
gnomAD v4.1: 37 of 1,613,600 alleles (0.0023%); highest among the groups gnomAD compares: African/African-American, 0.02%; no homozygotes.

Submissions (3):

Labcorp Genetics (formerly Invitae), Labcorp
Classification: Likely benign for Developmental and epileptic encephalopathy, 32. Last evaluated: 2025-08-03. Review status: criteria provided, single submitter. Criteria: Invitae Variant Classification Sherloc (09022015). Collection method: clinical testing. Allele origin: germline.

CeGaT Center for Human Genetics Tuebingen
Classification: Likely benign. Last evaluated: 2023-01-01. Review status: criteria provided, single submitter. Criteria: CeGaT Center For Human Genetics Tuebingen Variant Classification Criteria Version 2. Collection method: clinical testing. Allele origin: germline. Affected: yes. Observed: 1 variant allele.
Comment: KCNA2: BP4, BP7

Ambry Genetics
Classification: Likely benign for Inborn genetic diseases. Last evaluated: 2019-08-15. Review status: criteria provided, single submitter. Criteria: Ambry Variant Classification Scheme 2023. Collection method: clinical testing. Allele origin: germline.

NM_004974.4(KCNA2):c.30C>T (p.Asp10=)

Gene: KCNA2 (potassium voltage-gated channel subfamily A member 2; minus strand). Cytogenetic location: 1p13.3.
Variant type: single nucleotide variant.
Coding change: c.30C>T on transcript NM_004974.4 (MANE Select); coding-DNA position 30, C replaced by T.
Protein change: p.Asp10=; no amino-acid change (aspartic acid 10 retained).
Molecular consequence: synonymous variant.
Genome position (GRCh38, 1-based): chr1:110,604,753, G>A on the plus strand (C>T on the coding strand, the complement: KCNA2 is on the minus strand). VCF-style: chr1-110604753-G-A. GRCh37 (hg19) VCF-style: chr1-111147375-G-A.
Other names: c.30C>T, p.Asp10= (NM_001204269.2).
Identifiers: ClinVar variation 708184 (VCV000708184.37), dbSNP rs757960714, ClinGen allele CA1000762.